The following is an entry in ClinVar:

NM_013975.4(LIG3):c.86G>A (p.Trp29Ter)

Gene: LIG3 (DNA ligase 3; plus strand). Cytogenetic location: 17q12.
Variant type: single nucleotide variant.
Coding change: c.86G>A on transcript NM_013975.4 (MANE Select); coding-DNA position 86, G replaced by A.
Protein change: p.Trp29Ter; replaces tryptophan 29 with a stop codon.
Molecular consequence: nonsense.
Genome position (GRCh38, 1-based): chr17:34,983,091, G>A. VCF-style: chr17-34983091-G-A. GRCh37 (hg19) VCF-style: chr17-33310110-G-A.
Other names: c.86G>A (NM_013975.3); c.86G>A, p.Trp29Ter (NM_002311.5); short protein forms W29*.
Identifiers: ClinVar variation 1343942 (VCV001343942.2), dbSNP rs750089034, ClinGen allele CA8498016.

ClinVar aggregate classification (germline): Pathogenic. Review status: criteria provided, single submitter (1 of 4 stars). 2 submissions from 2 submitters: Pathogenic (1). 1 of the submissions does not count toward it. Last evaluated 2025-03-05.

Conditions:
LIG3-related disorder. Also called: LIG3-related condition.
Mitochondrial DNA depletion syndrome 20 (mngie type). Also called: MITOCHONDRIAL NEUROGASTROINTESTINAL ENCEPHALOMYOPATHY SYNDROME, LIG3-RELATED. Identifiers: MedGen C5676934, MONDO:0030696, OMIM 619780.

Allele frequency attached by ClinVar (database versions not stated): gnomAD 0.00001; gnomAD exomes 0.00001 and 0.00004; ExAC 0.00002; TOPMed 0.00002.

Submissions (2):

PreventionGenetics, part of Exact Sciences
Classification: Pathogenic for LIG3-related condition. Last evaluated: 2025-03-05. Review status: criteria provided, single submitter. Criteria: ACMG Guidelines, 2015. Collection method: clinical testing. Allele origin: germline.
Comment: The LIG3 c.86G>A variant is predicted to result in premature protein termination (p.Trp29*). This variant has been reported in the compound heterozygous state in an individual with myopathic mitochondrial DNA depletion syndrome, who also had a significant reduction in mtDNA in the individual's muscle sample (Invernizzi et al. 2021. PubMed ID: 34165507). This variant This variant is reported in 0.0026% of alleles in individuals of European (Non-Finnish) descent in gnomAD. Nonsense variants in LIG3 are expected to be pathogenic. This variant is interpreted as pathogenic.

OMIM
Classification: Pathogenic for MITOCHONDRIAL DNA DEPLETION SYNDROME 20 (MNGIE TYPE). Last evaluated: 2022-03-15. Review status: no assertion criteria provided. Collection method: literature only. Allele origin: germline. Not counted in ClinVar's aggregate classification.

Literature cited by the submitters: PubMed 34165507 (cited by OMIM).